The following is an entry in ClinVar:

NM_000256.3(MYBPC3):c.2161A>T (p.Thr721Ser)

Gene: MYBPC3 (myosin binding protein C3; minus strand). Cytogenetic location: 11p11.2.
Variant type: single nucleotide variant.
Coding change: c.2161A>T on transcript NM_000256.3 (MANE Select); coding-DNA position 2161, A replaced by T.
Protein change: p.Thr721Ser; replaces threonine 721 with serine.
Molecular consequence: missense variant.
Genome position (GRCh38, 1-based): chr11:47,338,667, T>A on the plus strand (A>T on the coding strand, the complement: MYBPC3 is on the minus strand). VCF-style: chr11-47338667-T-A. GRCh37 (hg19) VCF-style: chr11-47360218-T-A.
Other names: short protein forms T721S.
Identifiers: ClinVar variation 851576 (VCV000851576.9), dbSNP rs768993308, ClinGen allele CA078558.

ClinVar aggregate classification (germline): Conflicting classifications of pathogenicity. Review status: criteria provided, conflicting classifications (1 of 4 stars). 2 submissions from 2 submitters: Uncertain significance (1); Likely benign (1). Last evaluated 2025-12-15.

Conditions:
Hypertrophic cardiomyopathy. Also called: HYPERTROPHIC MYOCARDIOPATHY. Identifiers: Orphanet 217569, MedGen C0007194, MeSH D002312, MONDO:0005045, HP:0001639.
Cardiovascular phenotype. Identifiers: MedGen CN230736.

Allele frequency attached by ClinVar (database versions not stated): gnomAD exomes below 0.00001; ExAC 0.00001; TOPMed 0.00002; gnomAD 0.00003.

Submissions (2):

Ambry Genetics
Classification: Likely benign for Cardiovascular phenotype. Last evaluated: 2025-12-15. Review status: criteria provided, single submitter. Criteria: Ambry Variant Classification Scheme 2023. Collection method: clinical testing. Allele origin: germline.

Labcorp Genetics (formerly Invitae), Labcorp
Classification: Uncertain significance for Hypertrophic cardiomyopathy. Last evaluated: 2025-07-09. Review status: criteria provided, single submitter. Criteria: Invitae Variant Classification Sherloc (09022015). Collection method: clinical testing. Allele origin: germline.
Comment: This sequence change replaces threonine, which is neutral and polar, with serine, which is neutral and polar, at codon 721 of the MYBPC3 protein (p.Thr721Ser). This variant is present in population databases (rs768993308, gnomAD 0.002%). This variant has not been reported in the literature in individuals affected with MYBPC3-related conditions. ClinVar contains an entry for this variant (Variation ID: 851576). An algorithm developed to predict the effect of missense changes on protein structure and function (PolyPhen-2) suggests that this variant is likely to be tolerated. In summary, the available evidence is currently insufficient to determine the role of this variant in disease. Therefore, it has been classified as a Variant of Uncertain Significance.